The following is an entry in ClinVar:

NM_000400.4(ERCC2):c.244A>T (p.Lys82Ter)

Gene: ERCC2 (ERCC excision repair 2, TFIIH core complex helicase subunit; minus strand). Cytogenetic location: 19q13.32.
Variant type: single nucleotide variant.
Coding change: c.244A>T on transcript NM_000400.4 (MANE Select); coding-DNA position 244, A replaced by T.
Protein change: p.Lys82Ter; replaces lysine 82 with a stop codon.
Molecular consequence: nonsense.
Genome position (GRCh38, 1-based): chr19:45,368,932, T>A on the plus strand (A>T on the coding strand, the complement: ERCC2 is on the minus strand). VCF-style: chr19-45368932-T-A. GRCh37 (hg19) VCF-style: chr19-45872190-T-A.
Other names: c.172A>T, p.Lys58Ter (NM_001130867.2); short protein forms K82*, K58*.
Identifiers: ClinVar variation 2760678 (VCV002760678.3), dbSNP rs2514044862, ClinGen allele CA406379056.

ClinVar aggregate classification (germline): Pathogenic (1 of 4 stars; one submission).

Submission:

Labcorp Genetics (formerly Invitae), Labcorp
Classification: Pathogenic. Last evaluated: 2023-10-26. Review status: criteria provided, single submitter. Criteria: Invitae Variant Classification Sherloc (09022015). Collection method: clinical testing. Allele origin: germline.
Comment: This sequence change creates a premature translational stop signal (p.Lys82*) in the ERCC2 gene. It is expected to result in an absent or disrupted protein product. Loss-of-function variants in ERCC2 are known to be pathogenic (PMID: 9238033, 11335038, 19085937, 19934020). This variant is not present in population databases (gnomAD no frequency). This variant has not been reported in the literature in individuals affected with ERCC2-related conditions. For these reasons, this variant has been classified as Pathogenic.

Literature cited by the submitters: PubMed 9238033; PubMed 11335038; PubMed 19085937; PubMed 19934020.